The following is an entry in ClinVar:

NM_001267550.2(TTN):c.40988_41000dup (p.Pro13668fs)

Gene: TTN (titin; minus strand). Cytogenetic location: 2q31.2.
Variant type: Duplication.
Coding change: c.40988_41000dup on transcript NM_001267550.2 (MANE Select); coding-DNA positions 40988 to 41000, 13 bases duplicated (GTGGTGGAGAGAA).
Protein change: p.Pro13668fs; shifts the reading frame from proline 13668.
Molecular consequence: frameshift variant.
Genome position (GRCh38, 1-based): chr2:178,636,727-178,636,739, TTCTCTCCACCAC duplicated on the plus strand (GTGGTGGAGAGAA on the coding strand, the reverse complement: TTN is on the minus strand); duplicating any 13 consecutive bases within chr2:178,636,727-178,636,742 gives the same sequence; the c. name uses the placement nearest the transcript's 3' end. VCF-style (leftmost placement, unchanged base first): chr2-178636726-T-TTTCTCTCCACCAC. GRCh37 (hg19) VCF-style: chr2-179501453-T-TTTCTCTCCACCAC.
Other names: c.36065_36077dup, p.Pro12027fs (NM_001256850.1); c.13793_13805dup, p.Pro4603fs (NM_003319.4); c.33284_33296dup, p.Pro11100fs (NM_133378.4); c.14168_14180dup, p.Pro4728fs (NM_133432.3); c.14369_14381dup, p.Pro4795fs (NM_133437.4); short protein forms P11100fs, P12027fs, P13668fs, P4603fs, P4728fs, P4795fs.
Identifiers: ClinVar variation 4683111 (VCV004683111.1).
Genomic context (GRCh38, chr2:178,636,726, plus strand): 5'-TTTCACAAACTTCAGTGGCACAGCCTTTAGCTGGTAGGTGAACGGGGCTTCATCAGGAGG[T>TTTCTCTCCACCAC]TTCTCTCCACCACTTCCTGGCCTTAACTTTCTCCTTTCGGCTTCTATTGGTGAAGGAGTC-3'

ClinVar aggregate classification (germline): Pathogenic (1 of 4 stars; one submission).

Conditions:
Dilated cardiomyopathy 1G (CMD1G). Identifiers: Orphanet 154, MedGen C1858763, MONDO:0011400, OMIM 604145.

Submission:

Institute of Human Genetics, University of Leipzig Medical Center
Classification: Pathogenic for Dilated cardiomyopathy 1G. Last evaluated: 2025-12-09. Review status: criteria provided, single submitter. Criteria: ACMG Guidelines, 2015. Collection method: clinical testing. Allele origin: unknown. Inheritance: Autosomal dominant inheritance. Affected: yes.
Comment: Criteria applied: PVS1,PM2_MOD